The following is an entry in ClinVar:

NM_001136157.2(OTUD5):c.1523T>C (p.Leu508Pro)

Gene: OTUD5 (OTU deubiquitinase 5; minus strand). Cytogenetic location: Xp11.23.
Variant type: single nucleotide variant.
Coding change: c.1523T>C on transcript NM_001136157.2 (MANE Select); coding-DNA position 1523, T replaced by C.
Protein change: p.Leu508Pro; replaces leucine 508 with proline.
Molecular consequence: missense variant.
Genome position (GRCh38, 1-based): chrX:48,923,689, A>G on the plus strand (T>C on the coding strand, the complement: OTUD5 is on the minus strand). VCF-style: chrX-48923689-A-G. GRCh37 (hg19) VCF-style: chrX-48780966-A-G.
Other names: c.1523T>C, p.Leu508Pro (NM_001136158.2); c.872T>C, p.Leu291Pro (NM_001136159.2); c.1538T>C, p.Leu513Pro (NM_017602.4); short protein forms L291P, L508P, L513P.
Identifiers: ClinVar variation 5018290 (VCV005018290.1).
Genomic context (GRCh38, chrX:48,923,689, plus strand): 5'-TTACCAAAGGCAGAGGGGGACATCTGCTGAATGAGGGCCCGGCACTCCAAAGCAGGGTAG[A>G]GGGACACAAGGGGGGAAGTTGCCCGGTCGGCCCCTGCCGAGAACTGACTGCTTGTACCTG-3'
Protein context (NP_001129629.1, residues 498-518): ADRATSPLVS[Leu508Pro]YPALECRALI

ClinVar aggregate classification (germline): Uncertain significance (1 of 4 stars; one submission).

Submission:

GeneDx
Classification: Uncertain significance. Last evaluated: 2026-04-09. Review status: criteria provided, single submitter. Criteria: GeneDx Variant Classification Process June 2021. Collection method: clinical testing. Allele origin: germline.
Comment: Not observed at significant frequency in large population cohorts (gnomAD); In silico analysis suggests that this missense variant does not alter protein structure/function; Has not been previously published as pathogenic or benign to our knowledge